The following is an entry in ClinVar:

NM_001199138.2(NLRC4):c.2647G>A (p.Ala883Thr)

Gene: NLRC4 (NLR family CARD domain containing 4; minus strand). Cytogenetic location: 2p22.3.
Variant type: single nucleotide variant.
Coding change: c.2647G>A on transcript NM_001199138.2 (MANE Select); coding-DNA position 2647, G replaced by A.
Protein change: p.Ala883Thr; replaces alanine 883 with threonine.
Molecular consequence: missense variant.
Genome position (GRCh38, 1-based): chr2:32,235,536, C>T on the plus strand (G>A on the coding strand, the complement: NLRC4 is on the minus strand). VCF-style: chr2-32235536-C-T. GRCh37 (hg19) VCF-style: chr2-32460605-C-T.
Other names: p.Ala883Thr; c.2647G>A, p.Ala883Thr (NM_001199139.2, NM_021209.5); c.652G>A, p.Ala218Thr (NM_001302504.2); short protein forms A218T, A883T.
Identifiers: ClinVar variation 643212 (VCV000643212.13), dbSNP rs780229500, ClinGen allele CA1601734.
Genomic context (GRCh38, chr2:32,235,536, plus strand): 5'-AATGTTTCAACAGGCTGCTCAGGCTGCCTTGCACGTCACAGCCCCAGGGCAGCATCAGTG[C>T]GGTGAGCTGTTCTAGCACGTTCATCCTGTCGACTGGAAGAAACAAAGAGCAGTTCAGGGA-3'
Protein context (NP_001186067.1, residues 873-893): DRMNVLEQLT[Ala883Thr]LMLPWGCDVQ

ClinVar aggregate classification (germline): Conflicting classifications of pathogenicity. Review status: criteria provided, conflicting classifications (1 of 4 stars). 5 submissions from 5 submitters: Uncertain significance (3); Likely benign (2). Last evaluated 2025-11-03.

Conditions:
Autoinflammatory syndrome. Identifiers: Orphanet 93665, MedGen C3890737, MONDO:0019751.
Periodic fever-infantile enterocolitis-autoinflammatory syndrome. Also called: Autoinflammation with infantile enterocolitis. Identifiers: Orphanet 436166, MedGen C4015067, MONDO:0014472, OMIM 616050.
Familial cold autoinflammatory syndrome 4 (FCAS4). Identifiers: Orphanet 47045, Orphanet 576349, MedGen C4015276, MONDO:0014498, OMIM 616115.
Inborn genetic diseases. Identifiers: MedGen C0950123, MeSH D030342.

Allele frequency attached by ClinVar (database versions not stated): TOPMed 0.00003; ExAC 0.00004; gnomAD exomes 0.00004; gnomAD 0.00007.
gnomAD v4.1: 163 of 1,614,158 alleles (0.01%); highest among the groups gnomAD compares: Non-Finnish European, 0.012%; no homozygotes.

Submissions (5):

Labcorp Genetics (formerly Invitae), Labcorp
Classification: Uncertain significance for Periodic fever-infantile enterocolitis-autoinflammatory syndrome; Familial cold autoinflammatory syndrome 4. Last evaluated: 2025-11-03. Review status: criteria provided, single submitter. Criteria: Invitae Variant Classification Sherloc (09022015). Collection method: clinical testing. Allele origin: germline.
Comment: This sequence change replaces alanine, which is neutral and non-polar, with threonine, which is neutral and polar, at codon 883 of the NLRC4 protein (p.Ala883Thr). This variant is present in population databases (rs780229500, gnomAD 0.009%). This variant has not been reported in the literature in individuals affected with NLRC4-related conditions. ClinVar contains an entry for this variant (Variation ID: 643212). Invitae Evidence Modeling of protein sequence and biophysical properties (such as structural, functional, and spatial information, amino acid conservation, physicochemical variation, residue mobility, and thermodynamic stability) indicates that this missense variant is not expected to disrupt NLRC4 protein function with a negative predictive value of 80%. In summary, the available evidence is currently insufficient to determine the role of this variant in disease. Therefore, it has been classified as a Variant of Uncertain Significance.

Ambry Genetics
Classification: Uncertain significance for Inborn genetic diseases. Last evaluated: 2025-08-10. Review status: criteria provided, single submitter. Criteria: Ambry Variant Classification Scheme 2023. Collection method: clinical testing. Allele origin: germline.

Mayo Clinic Laboratories, Mayo Clinic
Classification: Uncertain significance. Last evaluated: 2024-09-03. Review status: criteria provided, single submitter. Criteria: ACMG Guidelines, 2015. Collection method: clinical testing. Allele origin: germline. Observed: 1 variant allele.
Comment: BP4

Blueprint Genetics
Classification: Likely benign. Last evaluated: 2023-09-13. Review status: criteria provided, single submitter. Criteria: ACMG Guidelines, 2015. Collection method: clinical testing. Allele origin: germline.

Genome Diagnostics Laboratory, The Hospital for Sick Children
Classification: Likely benign for Autoinflammatory syndrome. Last evaluated: 2016-12-12. Review status: criteria provided, single submitter. Criteria: ACMG Guidelines, 2015. Collection method: clinical testing. Allele origin: germline. Affected: yes.